The following is an entry in ClinVar:

ClinVar aggregate classification (germline): Uncertain significance (1 of 4 stars; one submission).

Conditions:
Rhabdoid tumor predisposition syndrome 2 (RTPS2). Identifiers: Orphanet 231108, Orphanet 69077, MedGen C2750074, MONDO:0013224, OMIM 613325.

Submission:

Labcorp Genetics (formerly Invitae), Labcorp
Classification: Uncertain significance for Rhabdoid tumor predisposition syndrome 2. Last evaluated: 2022-12-01. Review status: criteria provided, single submitter. Criteria: Invitae Variant Classification Sherloc (09022015). Collection method: clinical testing. Allele origin: germline.
Comment: In summary, the available evidence is currently insufficient to determine the role of this variant in disease. Therefore, it has been classified as a Variant of Uncertain Significance. Advanced modeling of protein sequence and biophysical properties (such as structural, functional, and spatial information, amino acid conservation, physicochemical variation, residue mobility, and thermodynamic stability) has been performed at Invitae for this missense variant, however the output from this modeling did not meet the statistical confidence thresholds required to predict the impact of this variant on SMARCA4 protein function. This variant has not been reported in the literature in individuals affected with SMARCA4-related conditions. This variant is not present in population databases (gnomAD no frequency). This sequence change replaces tyrosine, which is neutral and polar, with phenylalanine, which is neutral and non-polar, at codon 439 of the SMARCA4 protein (p.Tyr439Phe).

NM_003072.5(SMARCA4):c.1316A>T (p.Tyr439Phe)

Gene: SMARCA4 (SWI/SNF related BAF chromatin remodeling complex subunit ATPase 4; plus strand). Cytogenetic location: 19p13.2.
Variant type: single nucleotide variant.
Coding change: c.1316A>T on transcript NM_003072.5 (MANE Select); coding-DNA position 1316, A replaced by T.
Protein change: p.Tyr439Phe; replaces tyrosine 439 with phenylalanine.
Molecular consequence: missense variant. On other transcripts: non-coding transcript variant (1).
Genome position (GRCh38, 1-based): chr19:10,991,220, A>T. VCF-style: chr19-10991220-A-T. GRCh37 (hg19) VCF-style: chr19-11101896-A-T.
Other names: c.1316A>T, p.Tyr439Phe (NM_001387283.1, NM_001411150.1, NM_001128844.3 and 6 more transcripts); short protein forms Y439F.
Identifiers: ClinVar variation 2817740 (VCV002817740.3), dbSNP rs2514146986, ClinGen allele CA404060729.